The following is an entry in ClinVar:

NM_080424.4(SP110):c.1447G>A (p.Gly483Arg)

Gene: SP110 (SP110 nuclear body protein; minus strand). Cytogenetic location: 2q37.1.
Variant type: single nucleotide variant.
Coding change: c.1447G>A on transcript NM_080424.4 (MANE Select); coding-DNA position 1447, G replaced by A.
Protein change: p.Gly483Arg; replaces glycine 483 with arginine.
Molecular consequence: missense variant.
Genome position (GRCh38, 1-based): chr2:230,178,157, C>T on the plus strand (G>A on the coding strand, the complement: SP110 is on the minus strand). VCF-style: chr2-230178157-C-T. GRCh37 (hg19) VCF-style: chr2-231042873-C-T.
Other names: c.1465G>A, p.Gly489Arg (NM_001185015.2, NM_001378442.1, NM_001378444.1 and 2 more transcripts); c.1447G>A, p.Gly483Arg (NM_001378443.1, NM_004509.5, NM_004510.4); c.1297G>A, p.Gly433Arg (NM_001378447.1); short protein forms G483R, G489R, G433R.
Identifiers: ClinVar variation 334904 (VCV000334904.49), dbSNP rs149485401, ClinGen allele CA2154502.

ClinVar aggregate classification (germline): Benign/Likely benign. Review status: criteria provided, multiple submitters, no conflicts (2 of 4 stars). 6 submissions from 6 submitters: Benign (3); Likely benign (2). 1 of the submissions does not count toward it. Last evaluated 2026-09-01.

Conditions:
SP110-related disorder. Also called: SP110-related condition.
Mycobacterium tuberculosis, susceptibility to. Identifiers: MedGen C1834752, OMIM 607948.
Hepatic veno-occlusive disease-immunodeficiency syndrome. Also called: Hepatic Veno-Occlusive Disease with Immunodeficiency. Identifiers: Orphanet 79124, MedGen C1856128, MONDO:0009338, OMIM 235550. Disease mechanism: loss of function.

Allele frequency attached by ClinVar (database versions not stated): 1000 Genomes Project 30x 0.00437; 1000 Genomes Project 0.00499; ESP Exome Variant Server 0.00638; TOPMed 0.00649; gnomAD exomes 0.00772 and 0.00856; gnomAD 0.00832 and 0.00856; ExAC 0.00876.
gnomAD v4.1: 13,474 of 1,587,934 alleles (0.85%); highest among the groups gnomAD compares: Non-Finnish European, 0.92%; 79 homozygotes.

Submissions 1 to 27 of 47:

CeGaT Center for Human Genetics Tuebingen
Classification: Likely benign. Last evaluated: 2026-09-01. Review status: criteria provided, single submitter. Criteria: CeGaT Center For Human Genetics Tuebingen Variant Classification Criteria Version 2. Collection method: clinical testing. Allele origin: germline. Affected: yes. Observed: 14 variant alleles.
Comment: SP110: BS2

Labcorp Genetics (formerly Invitae), Labcorp
Classification: Benign for Hepatic veno-occlusive disease-immunodeficiency syndrome. Last evaluated: 2026-02-02. Review status: criteria provided, single submitter. Criteria: Invitae Variant Classification Sherloc (09022015). Collection method: clinical testing. Allele origin: germline.

Fulgent Genetics
Classification: Likely benign for Hepatic veno-occlusive disease-immunodeficiency syndrome; Mycobacterium tuberculosis, susceptibility to. Last evaluated: 2021-10-25. Review status: criteria provided, single submitter. Criteria: ACMG Guidelines, 2015. Collection method: clinical testing. Allele origin: unknown.

Illumina Laboratory Services, Illumina
Classification: Benign for Hepatic veno-occlusive disease-immunodeficiency syndrome. Last evaluated: 2018-01-12. Review status: criteria provided, single submitter. Criteria: ICSL Variant Classification Criteria 13 December 2019. Collection method: clinical testing. Allele origin: germline.
Comment: This variant was observed in the ICSL laboratory as part of a predisposition screen in an ostensibly healthy population. It had not been previously curated by ICSL or reported in the Human Gene Mutation Database (HGMD: prior to June 1st, 2018), and was therefore a candidate for classification through an automated scoring system. Utilizing variant allele frequency, disease prevalence and penetrance estimates, and inheritance mode, an automated score was calculated to assess if this variant is too frequent to cause the disease. Based on the score and internal cut-off values, a variant classified as benign is not then subjected to further curation. The score for this variant resulted in a classification of benign for this disease.

Breakthrough Genomics
Classification: Benign. Review status: criteria provided, single submitter. Criteria: ACMG Guidelines, 2015. Collection method: not provided. Allele origin: germline. Inheritance: Autosomal recessive inheritance. Affected: yes.

PreventionGenetics, part of Exact Sciences
Classification: Benign for SP110-related condition. Last evaluated: 2019-05-09. Review status: no assertion criteria provided. Collection method: clinical testing. Allele origin: germline. Not counted in ClinVar's aggregate classification.
Comment: This variant is classified as benign based on ACMG/AMP sequence variant interpretation guidelines (Richards et al. 2015 PMID: 25741868, with internal and published modifications).

Dr. Peter K. Rogan Lab, Western University
No classification provided (evidence only). Condition: Clear cell carcinoma of kidney. Review status: no classification provided. Collection method: in vitro. Allele origin: not applicable. Functional consequence: retained intron. Not counted in ClinVar's aggregate classification.

Dr. Peter K. Rogan Lab, Western University
No classification provided (evidence only). Condition: Clear cell carcinoma of kidney. Review status: no classification provided. Collection method: in vitro. Allele origin: not applicable. Functional consequence: retained intron. Not counted in ClinVar's aggregate classification.

Dr. Peter K. Rogan Lab, Western University
No classification provided (evidence only). Condition: Lung cancer. Review status: no classification provided. Collection method: in vitro. Allele origin: not applicable. Functional consequence: retained intron. Not counted in ClinVar's aggregate classification.

Dr. Peter K. Rogan Lab, Western University
No classification provided (evidence only). Condition: Lung cancer. Review status: no classification provided. Collection method: in vitro. Allele origin: not applicable. Functional consequence: retained intron. Not counted in ClinVar's aggregate classification.

Dr. Peter K. Rogan Lab, Western University
No classification provided (evidence only). Condition: Lung cancer. Review status: no classification provided. Collection method: in vitro. Allele origin: not applicable. Functional consequence: retained intron. Not counted in ClinVar's aggregate classification.

Dr. Peter K. Rogan Lab, Western University
No classification provided (evidence only). Condition: Lung cancer. Review status: no classification provided. Collection method: in vitro. Allele origin: not applicable. Functional consequence: retained intron. Not counted in ClinVar's aggregate classification.

Dr. Peter K. Rogan Lab, Western University
No classification provided (evidence only). Condition: Acute myeloid leukemia. Review status: no classification provided. Collection method: in vitro. Allele origin: not applicable. Functional consequence: retained intron. Not counted in ClinVar's aggregate classification.

Dr. Peter K. Rogan Lab, Western University
No classification provided (evidence only). Condition: Acute myeloid leukemia. Review status: no classification provided. Collection method: in vitro. Allele origin: not applicable. Functional consequence: retained intron. Not counted in ClinVar's aggregate classification.

Dr. Peter K. Rogan Lab, Western University
No classification provided (evidence only). Condition: Acute myeloid leukemia. Review status: no classification provided. Collection method: in vitro. Allele origin: not applicable. Functional consequence: retained intron. Not counted in ClinVar's aggregate classification.

Dr. Peter K. Rogan Lab, Western University
No classification provided (evidence only). Condition: Colon adenocarcinoma. Review status: no classification provided. Collection method: in vitro. Allele origin: not applicable. Functional consequence: retained intron. Not counted in ClinVar's aggregate classification.

Dr. Peter K. Rogan Lab, Western University
No classification provided (evidence only). Condition: Thyroid cancer, nonmedullary, 1. Review status: no classification provided. Collection method: in vitro. Allele origin: not applicable. Functional consequence: retained intron. Not counted in ClinVar's aggregate classification.

Dr. Peter K. Rogan Lab, Western University
No classification provided (evidence only). Condition: Thyroid cancer, nonmedullary, 1. Review status: no classification provided. Collection method: in vitro. Allele origin: not applicable. Functional consequence: retained intron. Not counted in ClinVar's aggregate classification.

Dr. Peter K. Rogan Lab, Western University
No classification provided (evidence only). Condition: Uterine corpus endometrial carcinoma. Review status: no classification provided. Collection method: in vitro. Allele origin: not applicable. Functional consequence: retained intron. Not counted in ClinVar's aggregate classification.

Dr. Peter K. Rogan Lab, Western University
No classification provided (evidence only). Condition: Uterine corpus endometrial carcinoma. Review status: no classification provided. Collection method: in vitro. Allele origin: not applicable. Functional consequence: retained intron. Not counted in ClinVar's aggregate classification.

Dr. Peter K. Rogan Lab, Western University
No classification provided (evidence only). Condition: Uterine corpus endometrial carcinoma. Review status: no classification provided. Collection method: in vitro. Allele origin: not applicable. Functional consequence: skipped exon, retained intron. Not counted in ClinVar's aggregate classification.

Dr. Peter K. Rogan Lab, Western University
No classification provided (evidence only). Condition: Uterine corpus endometrial carcinoma. Review status: no classification provided. Collection method: in vitro. Allele origin: not applicable. Functional consequence: retained intron. Not counted in ClinVar's aggregate classification.

Dr. Peter K. Rogan Lab, Western University
No classification provided (evidence only). Condition: Cervical cancer. Review status: no classification provided. Collection method: in vitro. Allele origin: not applicable. Functional consequence: retained intron. Not counted in ClinVar's aggregate classification.

Dr. Peter K. Rogan Lab, Western University
No classification provided (evidence only). Condition: Cervical cancer. Review status: no classification provided. Collection method: in vitro. Allele origin: not applicable. Functional consequence: skipped exon, retained intron. Not counted in ClinVar's aggregate classification.

Dr. Peter K. Rogan Lab, Western University
No classification provided (evidence only). Condition: Sarcoma. Review status: no classification provided. Collection method: in vitro. Allele origin: not applicable. Functional consequence: skipped exon, retained intron. Not counted in ClinVar's aggregate classification.

Dr. Peter K. Rogan Lab, Western University
No classification provided (evidence only). Condition: Sarcoma. Review status: no classification provided. Collection method: in vitro. Allele origin: not applicable. Functional consequence: retained intron. Not counted in ClinVar's aggregate classification.

Dr. Peter K. Rogan Lab, Western University
No classification provided (evidence only). Condition: Sarcoma. Review status: no classification provided. Collection method: in vitro. Allele origin: not applicable. Functional consequence: retained intron. Not counted in ClinVar's aggregate classification.